The following is an entry in ClinVar:

NM_000138.5(FBN1):c.4878del (p.Phe1626fs)

Gene: FBN1 (fibrillin 1; minus strand). Cytogenetic location: 15q21.1.
Variant type: Deletion.
Coding change: c.4878del on transcript NM_000138.5 (MANE Select); coding-DNA position 4878, one base deleted (T; older notation c.4878delT).
Protein change: p.Phe1626fs; shifts the reading frame from phenylalanine 1626.
Molecular consequence: frameshift variant.
Genome position (GRCh38, 1-based): chr15:48,465,632, A deleted on the plus strand (T on the coding strand, the reverse complement: FBN1 is on the minus strand); the first of 3 consecutive A bases (chr15:48,465,632-48,465,634); deleting any one gives the same sequence. VCF-style (leftmost placement, unchanged base first): chr15-48465631-CA-C. GRCh37 (hg19) VCF-style: chr15-48757828-CA-C.
Other names: c.4878delT (LRG_778t1); short protein forms F1626fs.
Identifiers: ClinVar variation 1013603 (VCV001013603.1), dbSNP rs2043314537, ClinGen allele CA2175517206.

ClinVar aggregate classification (germline): Pathogenic (1 of 4 stars; one submission).

Conditions:
Marfan syndrome (MFS). Also called: FBN1-Related Marfan Syndrome; MARFAN SYNDROME, TYPE I; Marfan syndrome type 1; Marfan's syndrome; Marfan syndrome, classic. Identifiers: Orphanet 284963, Orphanet 558, MedGen C0024796, MONDO:0007947, OMIM 154700.

Submission:

MNM Diagnostics
Classification: Pathogenic for Marfan syndrome. Last evaluated: 2020-03-25. Review status: criteria provided, single submitter. Criteria: ACMG Guidelines, 2015. Collection method: clinical testing. Allele origin: de novo. Affected: yes. Observed: 1 variant allele.
Comment: According to ACMG Guidelines, the variant meets the following criteria of pathogenicity: PVS1, PS2, PM1, PM2, PP3, PP4. This is a de novo variant of heterozygotic single nucleotide deletion (thymine in c.4878 position of FBN1 gene) resulting in phenylalanine to leucine substitution at p.1626, ORF shift and early stop codon leading to truncated protein.